The following is an entry in ClinVar:

NM_001002295.2(GATA3):c.787G>T (p.Glu263Ter)

Gene: GATA3 (GATA binding protein 3; plus strand). Cytogenetic location: 10p14.
Variant type: single nucleotide variant.
Coding change: c.787G>T on transcript NM_001002295.2 (MANE Select); coding-DNA position 787, G replaced by T.
Protein change: p.Glu263Ter; replaces glutamic acid 263 with a stop codon.
Molecular consequence: nonsense.
Genome position (GRCh38, 1-based): chr10:8,064,001, G>T. VCF-style: chr10-8064001-G-T. GRCh37 (hg19) VCF-style: chr10-8105964-G-T.
Other names: c.784G>T, p.Glu262Ter (NM_002051.3); short protein forms E263*, E262*.
Identifiers: ClinVar variation 3666680 (VCV003666680.2).

ClinVar aggregate classification (germline): Pathogenic (1 of 4 stars; one submission).

Submission:

Labcorp Genetics (formerly Invitae), Labcorp
Classification: Pathogenic. Last evaluated: 2024-09-08. Review status: criteria provided, single submitter. Criteria: Invitae Variant Classification Sherloc (09022015). Collection method: clinical testing. Allele origin: germline.
Comment: This sequence change creates a premature translational stop signal (p.Glu263*) in the GATA3 gene. It is expected to result in an absent or disrupted protein product. Loss-of-function variants in GATA3 are known to be pathogenic (PMID: 14985365, 21242646). This variant is not present in population databases (gnomAD no frequency). This variant has not been reported in the literature in individuals affected with GATA3-related conditions. For these reasons, this variant has been classified as Pathogenic.

Literature cited by the submitters: PubMed 14985365; PubMed 21242646.